The following is an entry in ClinVar:

ClinVar aggregate classification (germline): Conflicting classifications of pathogenicity. Review status: criteria provided, conflicting classifications (1 of 4 stars). 7 submissions from 6 submitters: Uncertain significance (1); Benign (5); Likely benign (1). Last evaluated 2026-01-28.

Conditions:
Autosomal recessive nonsyndromic hearing loss 31. Also called: WHIRLER, MOUSE, HOMOLOG OF. Identifiers: Orphanet 90636, MedGen C1846839, MONDO:0011767, OMIM 607084.
Usher syndrome type 2D. Also called: USHER SYNDROME, TYPE IID. Identifiers: Orphanet 231178, Orphanet 886, MedGen C1568249, MONDO:0012662, OMIM 611383.

Allele frequency attached by ClinVar (database versions not stated): gnomAD 0.00122 and 0.00237; TOPMed 0.00186; gnomAD exomes 0.00628; ESP Exome Variant Server 0.00092; ExAC 0.00665; 1000 Genomes Project 0.00839; 1000 Genomes Project 30x 0.00906.
gnomAD v4.1: 5,457 of 1,612,430 alleles (0.34%); highest among the groups gnomAD compares: South Asian, 3%; 66 homozygotes.

Submissions (7):

Labcorp Genetics (formerly Invitae), Labcorp
Classification: Benign. Last evaluated: 2026-01-28. Review status: criteria provided, single submitter. Criteria: Invitae Variant Classification Sherloc (09022015). Collection method: clinical testing. Allele origin: germline.

Athena Diagnostics
Classification: Benign. Last evaluated: 2021-03-03. Review status: criteria provided, single submitter. Criteria: Athena Diagnostics criteria. Collection method: clinical testing. Allele origin: unknown.

GeneDx
Classification: Benign. Last evaluated: 2018-06-18. Review status: criteria provided, single submitter. Criteria: GeneDx Variant Classification (06012015). Collection method: clinical testing. Allele origin: germline. Affected: yes.
Comment: This variant is considered likely benign or benign based on one or more of the following criteria: it is a conservative change, it occurs at a poorly conserved position in the protein, it is predicted to be benign by multiple in silico algorithms, and/or has population frequency not consistent with disease.

Illumina Laboratory Services, Illumina
Classification: Uncertain significance for Autosomal recessive nonsyndromic hearing loss 31. Last evaluated: 2018-01-13. Review status: criteria provided, single submitter. Criteria: ICSL Variant Classification Criteria 13 December 2019. Collection method: clinical testing. Allele origin: germline.

Illumina Laboratory Services, Illumina
Classification: Likely benign for Usher syndrome type 2D. Last evaluated: 2018-01-13. Review status: criteria provided, single submitter. Criteria: ICSL Variant Classification Criteria 13 December 2019. Collection method: clinical testing. Allele origin: germline.
Comment: This variant was observed in the ICSL laboratory as part of a predisposition screen in an ostensibly healthy population. It had not been previously curated by ICSL or reported in the Human Gene Mutation Database (HGMD: prior to June 1st, 2018), and was therefore a candidate for classification through an automated scoring system. Utilizing variant allele frequency, disease prevalence and penetrance estimates, and inheritance mode, an automated score was calculated to assess if this variant is too frequent to cause the disease. Based on the score and internal cut-off values, a variant classified as likely benign is not then subjected to further curation. The score for this variant resulted in a classification of likely benign for this disease.

Laboratory for Molecular Medicine, Mass General Brigham Personalized Medicine
Classification: Benign. Last evaluated: 2015-05-05. Review status: criteria provided, single submitter. Criteria: LMM Criteria. Collection method: clinical testing. Allele origin: germline. Observed: 8 variant alleles.
Comment: Arg223His in exon 2 of DFNB31: This variant is not expected to have clinical sig nificance because it has been identified in 3.3% (511/15606) of South Asian chro mosomes including 10 homozygotes by the Exome Aggregation Consortium (ExAC; dbSNP rs146273185).

Eurofins Ntd Llc (ga)
Classification: Benign. Last evaluated: 2015-01-16. Review status: criteria provided, single submitter. Criteria: EGL Classification Definitions 2015. Collection method: clinical testing. Allele origin: germline. Observed: 1 variant allele, 1 heterozygote.

NM_015404.4(WHRN):c.668G>A (p.Arg223His)

Gene: WHRN (whirlin; minus strand). Cytogenetic location: 9q32.
Variant type: single nucleotide variant.
Coding change: c.668G>A on transcript NM_015404.4 (MANE Select); coding-DNA position 668, G replaced by A.
Protein change: p.Arg223His; replaces arginine 223 with histidine.
Molecular consequence: missense variant. On other transcripts: 5 prime UTR variant (1).
Genome position (GRCh38, 1-based): chr9:114,478,722, C>T on the plus strand (G>A on the coding strand, the complement: WHRN is on the minus strand). VCF-style: chr9-114478722-C-T. GRCh37 (hg19) VCF-style: chr9-117241002-C-T.
Other names: c.-482G>A (NM_001083885.3); c.668G>A, p.Arg223His (NM_001173425.2); short protein forms R223H.
Identifiers: ClinVar variation 45681 (VCV000045681.24), dbSNP rs146273185, ClinGen allele CA136928.